The following is an entry in ClinVar:

NM_014324.6(AMACR):c.127_128delinsAG (p.Val43Arg)

Genes: AMACR (alpha-methylacyl-CoA racemase; minus strand), C1QTNF3-AMACR (C1QTNF3-AMACR readthrough (NMD candidate); minus strand). Cytogenetic location: 5p13.2.
Variant type: Indel.
Coding change: c.127_128delinsAG on transcript NM_014324.6 (MANE Select); coding-DNA positions 127 to 128, GT replaced by AG.
Protein change: p.Val43Arg; replaces valine 43 with arginine.
Molecular consequence: missense variant.
Genome position (GRCh38, 1-based): chr5:34,007,892-34,007,893, AC replaced by CT on the plus strand (GT replaced by AG on the coding strand, the reverse complement: AMACR is on the minus strand). VCF-style: chr5-34007892-AC-CT. GRCh37 (hg19) VCF-style: chr5-34007997-AC-CT.
Other names: c.127_128delinsAG, p.Val43Arg (NM_001167595.2, NM_203382.3); short protein forms V43R.
Identifiers: ClinVar variation 501410 (VCV000501410.7), dbSNP rs1554006390, ClinGen allele CA658796508.

ClinVar aggregate classification (germline): Uncertain significance. Review status: criteria provided, multiple submitters, no conflicts (2 of 4 stars). 2 submissions from 2 submitters: Uncertain significance (2). Last evaluated 2022-11-01.

Conditions:
Alpha-methylacyl-CoA racemase deficiency (AMACRD). Also called: AMACR deficiency. Identifiers: Orphanet 79095, MedGen C3280428, MONDO:0013681, OMIM 614307. Disease mechanism: loss of function.

Submissions (2):

Labcorp Genetics (formerly Invitae), Labcorp
Classification: Uncertain significance for Alpha-methylacyl-CoA racemase deficiency. Last evaluated: 2022-11-01. Review status: criteria provided, single submitter. Criteria: Invitae Variant Classification Sherloc (09022015). Collection method: clinical testing. Allele origin: germline.
Comment: This sequence change replaces valine, which is neutral and non-polar, with arginine, which is basic and polar, at codon 43 of the AMACR protein (p.Val43Arg). This variant is present in population databases (no rsID available, gnomAD 0.3%). This variant has not been reported in the literature in individuals affected with AMACR-related conditions. ClinVar contains an entry for this variant (Variation ID: 501410). Algorithms developed to predict the effect of missense changes on protein structure and function are either unavailable or do not agree on the potential impact of this missense change (SIFT: "Not Available"; PolyPhen-2: "Benign"; Align-GVGD: "Not Available"). In summary, the available evidence is currently insufficient to determine the role of this variant in disease. Therefore, it has been classified as a Variant of Uncertain Significance.

Eurofins Ntd Llc (ga)
Classification: Uncertain significance. Last evaluated: 2017-04-11. Review status: criteria provided, single submitter. Criteria: EGL Classification Definitions 2015. Collection method: clinical testing. Allele origin: germline. Observed: 1 variant allele, 1 heterozygote.